The following is an entry in ClinVar:

ClinVar aggregate classification (germline): Uncertain significance (1 of 4 stars; one submission).

Conditions:
Noonan syndrome 12. Identifiers: MedGen C5231432, MONDO:0032839, OMIM 618624.

Submission:

Juno Genomics, Hangzhou Juno Genomics, Inc
Classification: Uncertain significance for Noonan syndrome 12. Review status: criteria provided, single submitter. Criteria: ACMG Guidelines, 2015. Collection method: clinical testing. Allele origin: germline.
Comment: Absent from controls (or at extremely low frequency if recessive) in Genome Aggregation Database.;Multiple lines of computational evidence support a deleterious effect on the gene or gene product.

NM_012250.6(RRAS2):c.374T>C (p.Ile125Thr)

Gene: RRAS2 (RAS related 2; minus strand). Cytogenetic location: 11p15.2.
Variant type: single nucleotide variant.
Coding change: c.374T>C on transcript NM_012250.6 (MANE Select); coding-DNA position 374, T replaced by C.
Protein change: p.Ile125Thr; replaces isoleucine 125 with threonine.
Molecular consequence: missense variant.
Genome position (GRCh38, 1-based): chr11:14,294,505, A>G on the plus strand (T>C on the coding strand, the complement: RRAS2 is on the minus strand). VCF-style: chr11-14294505-A-G. GRCh37 (hg19) VCF-style: chr11-14316051-A-G.
Other names: c.143T>C, p.Ile48Thr (NM_001440711.1, NM_001440712.1, NM_001440713.1 and 6 more transcripts); c.269T>C, p.Ile90Thr (NM_001177314.2); c.374T>C, p.Ile125Thr (NM_001440708.1); short protein forms I125T, I48T, I90T.
Identifiers: ClinVar variation 5018724 (VCV005018724.2).